The following is an entry in ClinVar:

ClinVar aggregate classification (germline): Uncertain significance (0 of 4 stars; one submission).

Conditions:
ADCY3-related disorder. Also called: ADCY3-related condition.

gnomAD v4.1: 2 of 1,613,640 alleles (0.00012%); highest among the groups gnomAD compares: Middle Eastern, 0.017%; no homozygotes.

Submission:

PreventionGenetics, part of Exact Sciences
Classification: Uncertain significance for ADCY3-related condition. Last evaluated: 2024-08-07. Review status: no assertion criteria provided. Collection method: clinical testing. Allele origin: germline.
Comment: The ADCY3 c.541A>G variant is predicted to result in the amino acid substitution p.Ile181Val. To our knowledge, this variant has not been reported in the literature. This variant is reported in 0.0029% of alleles in individuals of Latino descent in gnomAD. At this time, the clinical significance of this variant is uncertain due to the absence of conclusive functional and genetic evidence.

NM_004036.5(ADCY3):c.541A>G (p.Ile181Val)

Gene: ADCY3 (adenylate cyclase 3; minus strand). Cytogenetic location: 2p23.3.
Variant type: single nucleotide variant.
Coding change: c.541A>G on transcript NM_004036.5 (MANE Select); coding-DNA position 541, A replaced by G.
Protein change: p.Ile181Val; replaces isoleucine 181 with valine.
Molecular consequence: missense variant.
Genome position (GRCh38, 1-based): chr2:24,918,447, T>C on the plus strand (A>G on the coding strand, the complement: ADCY3 is on the minus strand). VCF-style: chr2-24918447-T-C. GRCh37 (hg19) VCF-style: chr2-25141316-T-C.
Other names: c.541A>G, p.Ile181Val (NM_001320613.2, NM_001377128.1, NM_001377129.1 and 2 more transcripts); short protein forms I181V.
Identifiers: ClinVar variation 3345907 (VCV003345907.1).
Genomic context (GRCh38, chr2:24,918,447, plus strand): 5'-GCACCACACAGGAGACCACGGAGATGATCACGATGGGGCTGAGGCTGAGGGGCAGCGTGA[T>C]GAAGAAGGAGAAGACAAAGAAGACCTGCCAGCCCACCGTGTCACTAGCCGCGTGGGCACG-3'
Protein context (NP_004027.2, residues 171-191): WQVFFVFSFF[Ile181Val]TLPLSLSPIV